The following is an entry in ClinVar:

NC_012920.1(MT-CYB):m.15758A>G

Gene: MT-CYB (mitochondrially encoded cytochrome b; plus strand).
Variant type: single nucleotide variant.
Genome position: chrM-15758-A-G.
Identifiers: ClinVar variation 143898 (VCV000143898.4), dbSNP rs527236193, ClinGen allele CA270622.
Genomic context (GRCh38, chrMT:15,758, plus strand): 5'-CGCCCACTAAGCCAATCACTTTATTGACTCCTAGCCGCAGACCTCCTCATTCTAACCTGA[A>G]TCGGAGGACAACCAGTAAGCTACCCTTTTACCATCATTGGACAAGTAGCATCCGTACTAT-3'

ClinVar aggregate classification (germline): Benign. Review status: criteria provided, single submitter (1 of 4 stars). 2 submissions from 2 submitters: Benign (1). 1 of the submissions does not count toward it. Last evaluated 2019-10-17.

Conditions:
Leigh syndrome (NULS). Also called: Leigh's syndrome; Leigh Syndrome (mtDNA deletion); Leigh Disease; Subacute necrotizing encephalopathy; Necrotizing encephalopathy infantile subacute of Leigh; LEIGH SYNDROME, NUCLEAR. Identifiers: Orphanet 506, MedGen C2931891, MONDO:0009723, OMIM 256000.
Familial cancer of breast. Also called: BREAST CANCER, FAMILIAL; Hereditary breast cancer; hereditary breast carcinoma. Identifiers: Orphanet 227535, MedGen C0346153, MONDO:0016419, OMIM 114480. Disease mechanism: loss of function.

Submissions (2):

Wong Mito Lab, Molecular and Human Genetics, Baylor College of Medicine
Classification: Benign for Leigh syndrome. Last evaluated: 2019-10-17. Review status: criteria provided, single submitter. Criteria: Modified ACMG Guidelines (Unpublished). Collection method: clinical testing. Allele origin: germline.
Comment: The NC_012920.1:m.15758A>G (YP_003024038.1:p.Ile338Val) variant in MTCYB gene is interpretated to be a Benign variant based on the modified ACMG guidelines (unpublished). This variant meets the following evidence codes: BA1

Department of Zoology Govt. MVM College
Classification: Likely pathogenic for Familial cancer of breast. Review status: no assertion criteria provided. Collection method: not provided. Allele origin: unknown. Not counted in ClinVar's aggregate classification.
Comment: KM270516
ClinVar note: Converted during submission from probable-pathogenic to Likely pathogenic.